The following is an entry in ClinVar:

NM_000388.4(CASR):c.1674_1678del (p.Glu558fs)

Gene: CASR (calcium sensing receptor; plus strand). Cytogenetic location: 3q21.1.
Variant type: Deletion.
Coding change: c.1674_1678del on transcript NM_000388.4 (MANE Select); coding-DNA positions 1674 to 1678, 5 bases deleted (GCCCA; older notation c.1674_1678delGCCCA).
Protein change: p.Glu558fs; shifts the reading frame from glutamic acid 558.
Molecular consequence: frameshift variant.
Genome position (GRCh38, 1-based): chr3:122,282,178-122,282,182, GCCCA deleted; deleting any 5 consecutive bases within chr3:122,282,177-122,282,182 gives the same sequence; the c. name uses the placement nearest the transcript's 3' end. VCF-style (leftmost placement, unchanged base first): chr3-122282176-GAGCCC-G. GRCh37 (hg19) VCF-style: chr3-122001023-GAGCCC-G.
Other names: c.1704_1708del, p.Glu568fs (NM_001178065.2); short protein forms E558fs, E568fs.
Identifiers: ClinVar variation 2429146 (VCV002429146.3), dbSNP rs2473272760, ClinGen allele CA2580068632.
Genomic context (GRCh38, chr3:122,282,176, plus strand): 5'-CCCTTCTCCAACTGCAGCCGAGACTGCCTGGCAGGGACCAGGAAAGGGATCATTGAGGGG[GAGCCC>G]ACCTGCTGCTTTGAGTGTGTGGAGTGTCCTGATGGGGAGTATAGTGATGAGACAGGTAAG-3'

ClinVar aggregate classification (germline): Likely pathogenic (1 of 4 stars; one submission).

Conditions:
Familial hypocalciuric hypercalcemia (FHH). Also called: Familial benign hypercalcemia. Identifiers: Orphanet 405, MedGen C1809471, MONDO:0018458.

Submission:

Women's Health and Genetics/Laboratory Corporation of America, LabCorp
Classification: Likely pathogenic for Familial hypocalciuric hypercalcemia. Last evaluated: 2023-01-16. Review status: criteria provided, single submitter. Criteria: LabCorp Variant Classification Summary - May 2015. Collection method: clinical testing. Allele origin: germline.
Comment: Variant summary: CASR c.1674_1678delGCCCA (p.Glu558AspfsX5) results in a premature termination codon, predicted to cause a truncation of the encoded protein or absence of the protein due to nonsense mediated decay, which are commonly known mechanisms for disease. Truncations downstream of this position have been classified as pathogenic by our laboratory. The variant was absent in 251480 control chromosomes (gnomAD). The available data on variant occurrences in the general population are insufficient to allow any conclusion about variant significance. To our knowledge, no occurrence of c.1674_1678delGCCCA in individuals affected with Familial Hypocalciuric Hypercalcemia and no experimental evidence demonstrating its impact on protein function have been reported. No clinical diagnostic laboratories have submitted clinical-significance assessments for this variant to ClinVar after 2014. Based on the evidence outlined above, the variant was classified as likely pathogenic.